The following is an entry in ClinVar:

NM_001164688.2(RD3):c.103G>A (p.Gly35Arg)

Gene: RD3 (RD3 regulator of GUCY2D; minus strand). Cytogenetic location: 1q32.3.
Variant type: single nucleotide variant.
Coding change: c.103G>A on transcript NM_001164688.2 (MANE Select); coding-DNA position 103, G replaced by A.
Protein change: p.Gly35Arg; replaces glycine 35 with arginine.
Molecular consequence: missense variant.
Genome position (GRCh38, 1-based): chr1:211,481,313, C>T on the plus strand (G>A on the coding strand, the complement: RD3 is on the minus strand). VCF-style: chr1-211481313-C-T. GRCh37 (hg19) VCF-style: chr1-211654655-C-T.
Other names: c.103G>A, p.Gly35Arg (NM_183059.3); short protein forms G35R.
Identifiers: ClinVar variation 3658651 (VCV003658651.1).

ClinVar aggregate classification (germline): Uncertain significance (1 of 4 stars; one submission).

Conditions:
Leber congenital amaurosis 12 (LCA12). Identifiers: Orphanet 65, MedGen C1857743, MONDO:0012525, OMIM 610612.

gnomAD v4.1: 33 of 1,614,244 alleles (0.002%); highest among the groups gnomAD compares: South Asian, 0.034%; no homozygotes.

Submission:

Labcorp Genetics (formerly Invitae), Labcorp
Classification: Uncertain significance for Leber congenital amaurosis 12. Last evaluated: 2024-02-24. Review status: criteria provided, single submitter. Criteria: Invitae Variant Classification Sherloc (09022015). Collection method: clinical testing. Allele origin: germline.
Comment: This sequence change replaces glycine, which is neutral and non-polar, with arginine, which is basic and polar, at codon 35 of the RD3 protein (p.Gly35Arg). This variant is present in population databases (rs530024772, gnomAD 0.03%). This missense change has been observed in individual(s) with RD3-related conditions (PMID: 17186464, 23308101). An algorithm developed to predict the effect of missense changes on protein structure and function (PolyPhen-2) suggests that this variant is likely to be disruptive. Experimental studies have shown that this missense change does not substantially affect RD3 function (PMID: 21928830). In summary, the available evidence is currently insufficient to determine the role of this variant in disease. Therefore, it has been classified as a Variant of Uncertain Significance.

Literature cited by the submitters: PubMed 17186464; PubMed 23308101; PubMed 21928830.